The following is an entry in ClinVar:

NM_005654.6(NR2F1):c.314G>C (p.Gly105Ala)

Genes: NR2F1 (nuclear receptor subfamily 2 group F member 1; plus strand), NR2F1-AS1 (NR2F1 regulatory antisense RNA 1; minus strand). Cytogenetic location: 5q15.
Variant type: single nucleotide variant.
Coding change: c.314G>C on transcript NM_005654.6 (MANE Select); coding-DNA position 314, G replaced by C.
Protein change: p.Gly105Ala; replaces glycine 105 with alanine.
Molecular consequence: missense variant. On other transcripts: non-coding transcript variant (4).
Genome position (GRCh38, 1-based): chr5:93,585,337, G>C. VCF-style: chr5-93585337-G-C. GRCh37 (hg19) VCF-style: chr5-92921043-G-C.
Other names: short protein forms G105A.
Identifiers: ClinVar variation 3392504 (VCV003392504.2).

ClinVar aggregate classification (germline): Likely pathogenic (1 of 4 stars; one submission).

Conditions:
Bosch-Boonstra-Schaaf optic atrophy syndrome (BBSOAS). Also called: NR2F1-Related Neurodevelopmental Disorder. Identifiers: Orphanet 401777, MedGen C3810363, MONDO:0014320, OMIM 615722.

Submission:

Juno Genomics, Hangzhou Juno Genomics, Inc
Classification: Likely pathogenic for Bosch-Boonstra-Schaaf optic atrophy syndrome. Review status: criteria provided, single submitter. Criteria: ACMG Guidelines, 2015. Collection method: clinical testing. Allele origin: germline. Affected: yes.
Comment: Absent from controls (or at extremely low frequency if recessive) in Genome Aggregation Database, Exome Sequencing Project, 1000 Genomes Project, or Exome Aggregation Consortium.;Multiple lines of computational evidence support a deleterious effect on the gene or gene product (conservation, evolutionary, splicing impact, etc).;Missense variant in a gene that has a low rate of benign missense variation and where missense variants are a common mechanism of disease.;Located in a mutational hot spot and/or critical and well-established functional domain (e.g. active site of an enzyme) without benign variation.;De novo (both maternity and paternity confirmed) in a patient with the disease and no family history.